The following is an entry in ClinVar:

ClinVar aggregate classification (germline): Uncertain significance (1 of 4 stars; one submission).

Submission:

GeneDx
Classification: Uncertain significance. Last evaluated: 2025-08-08. Review status: criteria provided, single submitter. Criteria: GeneDx Variant Classification Process June 2021. Collection method: clinical testing. Allele origin: germline. Affected: yes.
Comment: Not observed at significant frequency in large population cohorts (gnomAD); In silico analysis suggests that this missense variant does not alter protein structure/function; Has not been previously published as pathogenic or benign to our knowledge

NM_015698.6(GPKOW):c.739G>C (p.Val247Leu)

Gene: GPKOW (G-patch domain and KOW motifs; minus strand). Cytogenetic location: Xp11.23.
Variant type: single nucleotide variant.
Coding change: c.739G>C on transcript NM_015698.6 (MANE Select); coding-DNA position 739, G replaced by C.
Protein change: p.Val247Leu; replaces valine 247 with leucine.
Molecular consequence: missense variant.
Genome position (GRCh38, 1-based): chrX:49,117,638, C>G on the plus strand (G>C on the coding strand, the complement: GPKOW is on the minus strand). VCF-style: chrX-49117638-C-G. GRCh37 (hg19) VCF-style: chrX-48973992-C-G.
Other names: short protein forms V247L.
Identifiers: ClinVar variation 4756089 (VCV004756089.1).